The following is an entry in ClinVar:

NM_144670.6(A2ML1):c.2329G>A (p.Gly777Arg)

Gene: A2ML1 (alpha-2-macroglobulin like 1; plus strand). Cytogenetic location: 12p13.31.
Variant type: single nucleotide variant.
Coding change: c.2329G>A on transcript NM_144670.6 (MANE Select); coding-DNA position 2329, G replaced by A.
Protein change: p.Gly777Arg; replaces glycine 777 with arginine.
Molecular consequence: missense variant.
Genome position (GRCh38, 1-based): chr12:8,851,878, G>A. VCF-style: chr12-8851878-G-A. GRCh37 (hg19) VCF-style: chr12-9004474-G-A.
Other names: c.856G>A, p.Gly286Arg (NM_001282424.3); short protein forms G777R, G286R.
Identifiers: ClinVar variation 617559 (VCV000617559.8), dbSNP rs201288888, ClinGen allele CA6435993.

ClinVar aggregate classification (germline): Uncertain significance. Review status: criteria provided, multiple submitters, no conflicts (2 of 4 stars). 3 submissions from 3 submitters: Uncertain significance (2). 1 of the submissions does not count toward it. Last evaluated 2023-08-30.

Conditions:
Otitis media, susceptibility to (OMS). Also called: OTITIS MEDIA, CHRONIC/RECURRENT; COME/ROM. Identifiers: MedGen C1833692, MONDO:0008162, OMIM 166760.
Otitis media. Identifiers: MedGen C0029882, MONDO:0005441, HP:0000388.

Allele frequency attached by ClinVar (database versions not stated): 1000 Genomes Project 30x 0.00031; gnomAD 0.00002 and 0.00003; TOPMed 0.00002; gnomAD exomes 0.00004; ExAC 0.00005.
gnomAD v4.1: 33 of 1,614,168 alleles (0.002%); highest among the groups gnomAD compares: East Asian, 0.02%; no homozygotes.

Submissions (3):

Labcorp Genetics (formerly Invitae), Labcorp
Classification: Uncertain significance. Last evaluated: 2023-08-30. Review status: criteria provided, single submitter. Criteria: Invitae Variant Classification Sherloc (09022015). Collection method: clinical testing. Allele origin: germline.
Comment: In summary, the available evidence is currently insufficient to determine the role of this variant in disease. Therefore, it has been classified as a Variant of Uncertain Significance. An algorithm developed to predict the effect of missense changes on protein structure and function (PolyPhen-2) suggests that this variant is likely to be disruptive. ClinVar contains an entry for this variant (Variation ID: 617559). This variant has not been reported in the literature in individuals affected with A2ML1-related conditions. This variant is present in population databases (rs201288888, gnomAD 0.03%). This sequence change replaces glycine, which is neutral and non-polar, with arginine, which is basic and polar, at codon 777 of the A2ML1 protein (p.Gly777Arg).

Santos-Cortez Lab, University of Colorado School of Medicine
Classification: Uncertain significance for Otitis media, susceptibility to. Last evaluated: 2019-04-25. Review status: criteria provided, single submitter. Criteria: Larson et al. (Hum Mutat. 2019). Collection method: research. Allele origin: germline. Inheritance: Autosomal dominant inheritance. Affected: yes.

University of Washington Center for Mendelian Genomics, University of Washington
Classification: Uncertain significance for Otitis media. Review status: no assertion criteria provided. Collection method: research. Allele origin: inherited. Affected: yes. Not counted in ClinVar's aggregate classification.

Literature cited by the submitters: PubMed 31009165 (cited by University of Washington Center for Mendelian Genomics, University of Washington).